The following is an entry in ClinVar:

NM_001378183.1(PIEZO2):c.64+1G>A

Gene: PIEZO2 (piezo type mechanosensitive ion channel component 2; minus strand). Cytogenetic location: 18p11.21.
Variant type: single nucleotide variant.
Coding change: c.64+1G>A on transcript NM_001378183.1 (MANE Select); the canonical splice donor site of the intron after coding-DNA position 64, G replaced by A.
Molecular consequence: splice donor variant.
Genome position (GRCh38, 1-based): chr18:11,148,524, C>T on the plus strand (G>A on the coding strand, the complement: PIEZO2 is on the minus strand). VCF-style: chr18-11148524-C-T. GRCh37 (hg19) VCF-style: chr18-11148523-C-T.
Other names: c.64+1G>A (NM_022068.4, NM_001410871.1).
Identifiers: ClinVar variation 1683711 (VCV001683711.2), dbSNP rs2040867555, ClinGen allele CA402030368.
Genomic context (GRCh38, chr18:11,148,524, plus strand): 5'-CCCCCACCCAGGCGCCCCCCTCGTCCTCCTCAAGTGCCCTCGGAAAGCGGACCAGACTCA[C>T]CTACTGCCAGGCAGATGGGCAGCAGCAGCCTGAAGATGAGCCCGCACACCACTTCTGAGG-3'

ClinVar aggregate classification (germline): Likely pathogenic (1 of 4 stars; one submission).

Conditions:
Congenital ichthyosiform erythroderma. Identifiers: MedGen C0079583, HP:0007431.
Exocrine pancreatic insufficiency. Identifiers: MedGen C0267963, MONDO:0001684, HP:0001738.
Scoliosis. Identifiers: MedGen C0036439, MONDO:0005392, HP:0002650.
Failure to thrive. Also called: Pediatric failure to thrive. Identifiers: MedGen C2315100, HP:0001508.

Submission:

Laboratorio de Genetica e Diagnostico Molecular, Hospital Israelita Albert Einstein
Classification: Likely pathogenic for Scoliosis; Failure to thrive; Congenital ichthyosiform erythroderma; Exocrine pancreatic insufficiency. Last evaluated: 2021-02-18. Review status: criteria provided, single submitter. Criteria: ACMG Guidelines, 2015. Collection method: clinical testing. Allele origin: germline. Affected: yes.
Comment: ACMG classification criteria: PVS1 very strong, PM2